The following is an entry in ClinVar:

NM_024642.5(GALNT12):c.1314G>A (p.Val438=)

Gene: GALNT12 (polypeptide N-acetylgalactosaminyltransferase 12; plus strand). Cytogenetic location: 9q22.33.
Variant type: single nucleotide variant.
Coding change: c.1314G>A on transcript NM_024642.5 (MANE Select); coding-DNA position 1314, G replaced by A.
Protein change: p.Val438=; no amino-acid change (valine 438 retained).
Molecular consequence: synonymous variant.
Genome position (GRCh38, 1-based): chr9:98,840,103, G>A. VCF-style: chr9-98840103-G-A. GRCh37 (hg19) VCF-style: chr9-101602385-G-A.
Identifiers: ClinVar variation 4875766 (VCV004875766.1).

ClinVar aggregate classification (germline): Benign (1 of 4 stars; one submission).

Conditions:
Colorectal cancer, susceptibility to, 1. Also called: COLORECTAL ADENOMA AND CANCER, SUSCEPTIBILITY TO; COLORECTAL CANCER, SUSCEPTIBILITY TO, ON CHROMOSOME 9. Identifiers: MedGen C1837315, MONDO:0012132, OMIM 608812.

gnomAD v4.1: 1 of 1,614,052 alleles (0.000062%); highest among the groups gnomAD compares: Non-Finnish European, 0.000085%; no homozygotes.

Submission:

Myriad Genetics, Inc.
Classification: Benign for Colorectal cancer, susceptibility to, 1. Last evaluated: 2026-04-27. Review status: criteria provided, single submitter. Criteria: Myriad Autosomal Dominant, Autosomal Recessive and X-Linked Classification Criteria (2023). Collection method: clinical testing. Allele origin: unknown.
Comment: This variant is considered benign. This variant is a silent/synonymous amino acid change and it is not expected to impact splicing.